The following is an entry in ClinVar:

ClinVar aggregate classification (germline): Likely benign (1 of 4 stars; one submission).

Allele frequency attached by ClinVar (database versions not stated): 1000 Genomes Project 30x 0.00016; 1000 Genomes Project 0.00020; gnomAD 0.00020; ExAC 0.00024; TOPMed 0.00024; ESP Exome Variant Server 0.00031; gnomAD exomes 0.00043.

Submission:

CeGaT Center for Human Genetics Tuebingen
Classification: Likely benign. Last evaluated: 2023-02-01. Review status: criteria provided, single submitter. Criteria: CeGaT Center For Human Genetics Tuebingen Variant Classification Criteria Version 2. Collection method: clinical testing. Allele origin: germline. Affected: yes. Observed: 1 variant allele.
Comment: PITPNM1: BP4, BP7

NM_004910.3(PITPNM1):c.3540G>A (p.Ser1180=)

Gene: PITPNM1 (phosphatidylinositol transfer protein membrane associated 1; minus strand). Cytogenetic location: 11q13.2.
Variant type: single nucleotide variant.
Coding change: c.3540G>A on transcript NM_004910.3 (MANE Select); coding-DNA position 3540, G replaced by A.
Protein change: p.Ser1180=; no amino-acid change (serine 1180 retained).
Molecular consequence: synonymous variant.
Genome position (GRCh38, 1-based): chr11:67,492,228, C>T on the plus strand (G>A on the coding strand, the complement: PITPNM1 is on the minus strand). VCF-style: chr11-67492228-C-T. GRCh37 (hg19) VCF-style: chr11-67259699-C-T.
Other names: c.3537G>A, p.Ser1179= (NM_001130848.2).
Identifiers: ClinVar variation 2642022 (VCV002642022.24), dbSNP rs141354914, ClinGen allele CA6141082.
Genomic context (GRCh38, chr11:67,492,228, plus strand): 5'-GAAGTCCACGGGGGCAGCCACACCATAGCTGCTCTTGCCCAAGGCAGCTCTCGGGGGTCC[C>T]GAGGAGGCATGCGAGTGCGAGCCCGCTTCCAGCTGGCCCAGGTGGGCCACATAGCCGTCT-3'
Protein context (NP_004901.2, residues 1170-1190): LEAGSHSHAS[Ser1180=]GPPRAALGKS